The following is an entry in ClinVar:

NM_002875.5(RAD51):c.5C>G (p.Ala2Gly)

Gene: RAD51 (RAD51 recombinase; plus strand). Cytogenetic location: 15q15.1.
Variant type: single nucleotide variant.
Coding change: c.5C>G on transcript NM_002875.5 (MANE Select); coding-DNA position 5, C replaced by G.
Protein change: p.Ala2Gly; replaces alanine 2 with glycine.
Molecular consequence: missense variant.
Genome position (GRCh38, 1-based): chr15:40,698,763, C>G. VCF-style: chr15-40698763-C-G. GRCh37 (hg19) VCF-style: chr15-40990961-C-G.
Other names: c.5C>G, p.Ala2Gly (NM_001164269.2, NM_001164270.2, NM_133487.4); short protein forms A2G.
Identifiers: ClinVar variation 4722994 (VCV004722994.1).
Genomic context (GRCh38, chr15:40,698,763, plus strand): 5'-GAGATGCACCTTATTTCTCTAGTGTTTATACTGATAAGCATTTGTATTTTTCAGTAATGG[C>G]AATGCAGATGCAGCTTGAAGCAAATGCAGATACTTCAGTGGAAGAAGAAAGCTTTGGCCC-3'
Protein context (NP_002866.2, residues 1-12): M[Ala2Gly]MQMQLEANAD

ClinVar aggregate classification (germline): Uncertain significance (1 of 4 stars; one submission).

Submission:

Labcorp Genetics (formerly Invitae), Labcorp
Classification: Uncertain significance. Last evaluated: 2025-07-16. Review status: criteria provided, single submitter. Criteria: Invitae Variant Classification Sherloc (09022015). Collection method: clinical testing. Allele origin: germline.
Comment: This sequence change replaces alanine, which is neutral and non-polar, with glycine, which is neutral and non-polar, at codon 2 of the RAD51 protein (p.Ala2Gly). This variant is not present in population databases (gnomAD no frequency). This variant has not been reported in the literature in individuals affected with RAD51-related conditions. An algorithm developed to predict the effect of missense changes on protein structure and function (PolyPhen-2) suggests that this variant is likely to be tolerated. In summary, the available evidence is currently insufficient to determine the role of this variant in disease. Therefore, it has been classified as a Variant of Uncertain Significance.